The following is an entry in ClinVar:

NM_006852.6(TLK2):c.1929G>A (p.Trp643Ter)

Gene: TLK2 (tousled like kinase 2; plus strand). Cytogenetic location: 17q23.2.
Variant type: single nucleotide variant.
Coding change: c.1929G>A on transcript NM_006852.6 (MANE Select); coding-DNA position 1929, G replaced by A.
Protein change: p.Trp643Ter; replaces tryptophan 643 with a stop codon.
Molecular consequence: nonsense.
Genome position (GRCh38, 1-based): chr17:62,606,199, G>A. VCF-style: chr17-62606199-G-A. GRCh37 (hg19) VCF-style: chr17-60683560-G-A.
Other names: c.1995G>A, p.Trp665Ter (NM_001284333.3); c.1833G>A, p.Trp611Ter (NM_001284363.1, NM_001375272.1, NM_001438203.1 and 1 more transcripts); c.1482G>A, p.Trp494Ter (NM_001330418.3, NM_001375273.1); c.1971G>A, p.Trp657Ter (NM_001375269.1); c.1929G>A, p.Trp643Ter (NM_001375270.1, NM_001375271.1); c.1644G>A, p.Trp548Ter (NM_001411074.1); c.1740G>A, p.Trp580Ter (NM_001438205.1); short protein forms W548*, W665*, W580*, W643*, W611*, W657*, W494*.
Identifiers: ClinVar variation 4633167 (VCV004633167.1).

ClinVar aggregate classification (germline): Pathogenic (1 of 4 stars; one submission).

Conditions:
Inborn genetic diseases. Identifiers: MedGen C0950123, MeSH D030342.

Submission:

Ambry Genetics
Classification: Pathogenic for Inborn genetic diseases. Last evaluated: 2025-11-17. Review status: criteria provided, single submitter. Criteria: Ambry Variant Classification Scheme 2023. Collection method: clinical testing. Allele origin: germline.
Comment: The c.1929G>A (p.W643*) alteration, located in exon 20 (coding exon 19) of the TLK2 gene, consists of a G to A substitution at nucleotide position 1929. This changes the amino acid from a tryptophan (W) to a stop codon at amino acid position 643. This alteration is expected to result in loss of function by premature protein truncation or nonsense-mediated mRNA decay. This variant was not reported in population-based cohorts in the Genome Aggregation Database (gnomAD). Based on the available evidence, this alteration is classified as pathogenic.